The following is an entry in ClinVar:

NM_000321.3(RB1):c.274A>T (p.Ile92Phe)

Gene: RB1 (RB transcriptional corepressor 1; plus strand). Cytogenetic location: 13q14.2.
Variant type: single nucleotide variant.
Coding change: c.274A>T on transcript NM_000321.3 (MANE Select); coding-DNA position 274, A replaced by T.
Protein change: p.Ile92Phe; replaces isoleucine 92 with phenylalanine.
Molecular consequence: missense variant.
Genome position (GRCh38, 1-based): chr13:48,342,608, A>T. VCF-style: chr13-48342608-A-T. GRCh37 (hg19) VCF-style: chr13-48916744-A-T.
Other names: c.274A>T, p.Ile92Phe (NM_001407165.1, NM_001407166.1); short protein forms I92F.
Identifiers: ClinVar variation 4863037 (VCV004863037.1).
Genomic context (GRCh38, chr13:48,342,608, plus strand): 5'-CAGTGTGTGAATTATTTAATGAAATATTTGATCTTTATTTTTTGTTCCCAGGGAGGTTAT[A>T]TTCAAAAGAAAAAGGAACTGTGGGGAATCTGTATCTTTATTGCAGCAGTTGACCTAGATG-3'
Protein context (NP_000312.2, residues 82-102): SSVDGVLGGY[Ile92Phe]QKKKELWGIC

ClinVar aggregate classification (germline): Uncertain significance (1 of 4 stars; one submission).

Conditions:
Hereditary cancer-predisposing syndrome. Also called: Neoplastic Syndromes, Hereditary; Tumor predisposition; Hereditary Cancer Syndrome; Hereditary neoplastic syndrome. Identifiers: Orphanet 140162, MedGen C0027672, MeSH D009386, MONDO:0015356.

Submission:

Ambry Genetics
Classification: Uncertain significance for Hereditary cancer-predisposing syndrome. Last evaluated: 2026-06-13. Review status: criteria provided, single submitter. Criteria: Ambry Variant Classification Scheme 2023. Collection method: clinical testing. Allele origin: germline.
Comment: The p.I92F variant (also known as c.274A>T), located in coding exon 3 of the RB1 gene, results from an A to T substitution at nucleotide position 274. The isoleucine at codon 92 is replaced by phenylalanine, an amino acid with highly similar properties. This amino acid position is conserved. In addition, this alteration is predicted to be tolerated by in silico analysis. Based on the available evidence, the clinical significance of this variant remains unclear.